The following is an entry in ClinVar:

ClinVar aggregate classification (germline): Likely benign (1 of 4 stars; one submission).

Conditions:
TSHZ1-related disorder. Also called: TSHZ1-related condition.

gnomAD v4.1: 8 of 1,614,070 alleles (0.0005%); highest among the groups gnomAD compares: South Asian, 0.0044%; no homozygotes.

Submission:

PreventionGenetics, part of Exact Sciences
Classification: Likely benign for TSHZ1-related condition. Last evaluated: 2026-03-24. Review status: criteria provided, single submitter. Criteria: ACMG Guidelines, 2015. Collection method: clinical testing. Allele origin: germline.
Comment: This variant is classified as likely benign based on ACMG/AMP sequence variant interpretation guidelines (Richards et al. 2015 PMID: 25741868, with internal and published modifications).

NM_001308210.2(TSHZ1):c.1137A>G (p.Ser379=)

Gene: TSHZ1 (teashirt zinc finger homeobox 1; plus strand). Cytogenetic location: 18q22.3.
Variant type: single nucleotide variant.
Coding change: c.1137A>G on transcript NM_001308210.2 (MANE Select); coding-DNA position 1137, A replaced by G.
Protein change: p.Ser379=; no amino-acid change (serine 379 retained).
Molecular consequence: synonymous variant.
Genome position (GRCh38, 1-based): chr18:75,286,544, A>G. VCF-style: chr18-75286544-A-G. GRCh37 (hg19) VCF-style: chr18-72998499-A-G.
Other names: c.1002A>G, p.Ser334= (NM_005786.6).
Identifiers: ClinVar variation 4980501 (VCV004980501.1).
Genomic context (GRCh38, chr18:75,286,544, plus strand): 5'-GGCGCCCCCCTGCTCCCCTGAGCCAGCAGGAATGGCCGCAGAGGTGGCCCTGAGTGAGTC[A>G]GCCAAGGATCAGAAAGCAGCGAACCCGTACGTCACGCCCAATAACCGCTATGGCTACCAG-3'
Protein context (NP_001295139.1, residues 369-389): GMAAEVALSE[Ser379=]AKDQKAANPY